The following is an entry in ClinVar:

ClinVar aggregate classification (germline): Uncertain significance (1 of 4 stars; one submission).

Conditions:
Familial adenomatous polyposis 1 (FAP1). Also called: POLYPOSIS, ADENOMATOUS INTESTINAL; FAMILIAL ADENOMATOUS POLYPOSIS 1, ATTENUATED. Identifiers: MedGen C2713442, MONDO:0021056, OMIM 175100. Disease mechanism: loss of function.

Submission:

Labcorp Genetics (formerly Invitae), Labcorp
Classification: Uncertain significance for Familial adenomatous polyposis 1. Last evaluated: 2025-09-03. Review status: criteria provided, single submitter. Criteria: Invitae Variant Classification Sherloc (09022015). Collection method: clinical testing. Allele origin: germline.
Comment: This sequence change replaces proline, which is neutral and non-polar, with serine, which is neutral and polar, at codon 1330 of the APC protein (p.Pro1330Ser). This variant is not present in population databases (gnomAD no frequency). This variant has not been reported in the literature in individuals affected with APC-related conditions. ClinVar contains an entry for this variant (Variation ID: 3688477). Invitae Evidence Modeling of protein sequence and biophysical properties (such as structural, functional, and spatial information, amino acid conservation, physicochemical variation, residue mobility, and thermodynamic stability) indicates that this missense variant is not expected to disrupt APC protein function with a negative predictive value of 95%. In summary, the available evidence is currently insufficient to determine the role of this variant in disease. Therefore, it has been classified as a Variant of Uncertain Significance.

NM_000038.6(APC):c.3988C>T (p.Pro1330Ser)

Gene: APC (APC regulator of Wnt signaling pathway; plus strand). Cytogenetic location: 5q22.2.
Variant type: single nucleotide variant.
Coding change: c.3988C>T on transcript NM_000038.6 (MANE Select); coding-DNA position 3988, C replaced by T.
Protein change: p.Pro1330Ser; replaces proline 1330 with serine.
Molecular consequence: missense variant. On other transcripts: non-coding transcript variant (2).
Genome position (GRCh38, 1-based): chr5:112,839,582, C>T. VCF-style: chr5-112839582-C-T. GRCh37 (hg19) VCF-style: chr5-112175279-C-T.
Other names: c.3988C>T, p.Pro1330Ser (NM_001127510.3, NM_001354895.2, NM_001407450.1); c.3934C>T, p.Pro1312Ser (NM_001127511.3); c.4042C>T, p.Pro1348Ser (NM_001354896.2, NM_001407447.1, NM_001407448.1 and 1 more transcripts); c.4018C>T, p.Pro1340Ser (NM_001354897.2); c.3913C>T, p.Pro1305Ser (NM_001354898.2); c.3904C>T, p.Pro1302Ser (NM_001354899.2); c.3865C>T, p.Pro1289Ser (NM_001354900.2); c.3811C>T, p.Pro1271Ser (NM_001354901.2, NM_001407453.1); and 11 more; short protein forms P1204S, P1247S, P1289S, P1323S, P1229S, P1271S, P1312S, P1330S.
Identifiers: ClinVar variation 3688477 (VCV003688477.2).
Genomic context (GRCh38, chr5:112,839,582, plus strand): 5'-AAGATTGGAACTAGGTCAGCTGAAGATCCTGTGAGCGAAGTTCCAGCAGTGTCACAGCAC[C>T]CTAGAACCAAATCCAGCAGACTGCAGGGTTCTAGTTTATCTTCAGAATCAGCCAGGCACA-3'
Protein context (NP_000029.2, residues 1320-1340): VSEVPAVSQH[Pro1330Ser]RTKSSRLQGS